The following is an entry in ClinVar:

ClinVar aggregate classification (germline): Uncertain significance (1 of 4 stars; one submission).

Conditions:
Cardiovascular phenotype. Identifiers: MedGen CN230736.

Submission:

Ambry Genetics
Classification: Uncertain significance for Cardiovascular phenotype. Last evaluated: 2026-07-09. Review status: criteria provided, single submitter. Criteria: Ambry Variant Classification Scheme 2023. Collection method: clinical testing. Allele origin: germline.
Comment: The p.N647T variant (also known as c.1940A>C), located in coding exon 16 of the ACTN2 gene, results from an A to C substitution at nucleotide position 1940. The asparagine at codon 647 is replaced by threonine, an amino acid with similar properties. This amino acid position is conserved. In addition, this alteration is predicted to be tolerated by in silico analysis. Based on the available evidence, the clinical significance of this variant remains unclear.

NM_001103.4(ACTN2):c.1940A>C (p.Asn647Thr)

Gene: ACTN2 (actinin alpha 2; plus strand). Cytogenetic location: 1q43.
Variant type: single nucleotide variant.
Coding change: c.1940A>C on transcript NM_001103.4 (MANE Select); coding-DNA position 1940, A replaced by C.
Protein change: p.Asn647Thr; replaces asparagine 647 with threonine.
Molecular consequence: missense variant. On other transcripts: non-coding transcript variant (1).
Genome position (GRCh38, 1-based): chr1:236,754,047, A>C. VCF-style: chr1-236754047-A-C. GRCh37 (hg19) VCF-style: chr1-236917347-A-C.
Other names: c.1940A>C, p.Asn647Thr (NM_001278343.2); short protein forms N647T.
Identifiers: ClinVar variation 5032517 (VCV005032517.1).